The following is an entry in ClinVar:

NM_001283009.2(RTEL1):c.694G>A (p.Ala232Thr)

Genes: RTEL1 (regulator of telomere elongation helicase 1; plus strand), RTEL1-TNFRSF6B (RTEL1-TNFRSF6B readthrough (NMD candidate); plus strand). Cytogenetic location: 20q13.33.
Variant type: single nucleotide variant.
Coding change: c.694G>A on transcript NM_001283009.2 (MANE Select); coding-DNA position 694, G replaced by A.
Protein change: p.Ala232Thr; replaces alanine 232 with threonine.
Molecular consequence: missense variant. On other transcripts: non-coding transcript variant (1).
Genome position (GRCh38, 1-based): chr20:63,667,548, G>A. VCF-style: chr20-63667548-G-A. GRCh37 (hg19) VCF-style: chr20-62298901-G-A.
Other names: c.694G>A, p.Ala232Thr (NM_016434.4); c.766G>A, p.Ala256Thr (NM_032957.5); c.25G>A, p.Ala9Thr (NM_001283010.1); short protein forms A232T, A256T, A9T.
Identifiers: ClinVar variation 4844062 (VCV004844062.1).

ClinVar aggregate classification (germline): Uncertain significance (1 of 4 stars; one submission).

Conditions:
Inborn genetic diseases. Identifiers: MedGen C0950123, MeSH D030342.

Submission:

Ambry Genetics
Classification: Uncertain significance for Inborn genetic diseases. Last evaluated: 2025-12-15. Review status: criteria provided, single submitter. Criteria: Ambry Variant Classification Scheme 2023. Collection method: clinical testing. Allele origin: germline.
Comment: The p.A232T variant (also known as c.694G>A), located in coding exon 7 of the RTEL1 gene, results from a G to A substitution at nucleotide position 694. The alanine at codon 232 is replaced by threonine, an amino acid with similar properties. This amino acid position is conserved. In addition, this alteration is predicted to be tolerated by in silico analysis. Based on the available evidence, the clinical significance of this variant remains unclear.